The following is an entry in ClinVar:

ClinVar aggregate classification (germline): Uncertain significance. Review status: criteria provided, multiple submitters, no conflicts (2 of 4 stars). 3 submissions from 3 submitters: Uncertain significance (3). Last evaluated 2025-11-11.

Conditions:
DNAH9-related disorder. Also called: DNAH9-related condition.
Inborn genetic diseases. Identifiers: MedGen C0950123, MeSH D030342.

gnomAD v4.1: 56 of 1,613,990 alleles (0.0035%); highest among the groups gnomAD compares: African/African-American, 0.0093%; no homozygotes.

Submissions (3):

PreventionGenetics, part of Exact Sciences
Classification: Uncertain significance for DNAH9-related condition. Last evaluated: 2025-11-11. Review status: criteria provided, single submitter. Criteria: ACMG Guidelines, 2015. Collection method: clinical testing. Allele origin: germline.
Comment: The DNAH9 c.10339C>T variant is predicted to result in the amino acid substitution p.Arg3447Cys. To our knowledge, this variant has not been reported in the literature. This variant is reported in 0.0050% of alleles in individuals of East Asian descent in gnomAD. At this time, the clinical significance of this variant is uncertain due to the absence of conclusive functional and genetic evidence.

Ambry Genetics
Classification: Uncertain significance for Inborn genetic diseases. Last evaluated: 2025-09-10. Review status: criteria provided, single submitter. Criteria: Ambry Variant Classification Scheme 2023. Collection method: clinical testing. Allele origin: germline.

Blueprint Genetics
Classification: Uncertain significance. Last evaluated: 2023-10-23. Review status: criteria provided, single submitter. Criteria: ACMG Guidelines, 2015. Collection method: clinical testing. Allele origin: germline.

NM_001372.4(DNAH9):c.10339C>T (p.Arg3447Cys)

Genes: DNAH9 (dynein axonemal heavy chain 9; plus strand), LOC101928350 (uncharacterized LOC101928350; minus strand). Cytogenetic location: 17p12.
Variant type: single nucleotide variant.
Coding change: c.10339C>T on transcript NM_001372.4 (MANE Select); coding-DNA position 10339, C replaced by T.
Protein change: p.Arg3447Cys; replaces arginine 3447 with cysteine.
Molecular consequence: missense variant. On other transcripts: non-coding transcript variant (1).
Genome position (GRCh38, 1-based): chr17:11,875,045, C>T. VCF-style: chr17-11875045-C-T. GRCh37 (hg19) VCF-style: chr17-11778362-C-T.
Other names: short protein forms R3447C.
Identifiers: ClinVar variation 4242866 (VCV004242866.3).